The following is an entry in ClinVar:

ClinVar aggregate classification (germline): Uncertain significance. Review status: reviewed by expert panel (3 of 4 stars). 3 submissions from 3 submitters: Uncertain significance (1). 2 of the submissions do not count toward it. Last evaluated 2024-05-01.

Conditions:
Severe combined immunodeficiency, autosomal recessive, T cell-negative, B cell-negative, NK cell-negative, due to adenosine deaminase deficiency. Also called: ADA deficiency; Adenosine deaminase deficient severe combined immunodeficiency; Severe combined immunodeficiency due to ADA deficiency; SCID DUE TO ADA DEFICIENCY; SCID DUE TO ADA DEFICIENCY, EARLY-ONSET; ADA-SCID. Identifiers: Orphanet 277, MedGen C0392607, MONDO:0007064, OMIM 102700.

Allele frequency attached by ClinVar (database versions not stated): TOPMed 0.00002; gnomAD 0.00003.
gnomAD v4.1: 135 of 1,613,566 alleles (0.0084%); highest among the groups gnomAD compares: Non-Finnish European, 0.011%; no homozygotes.

Submissions (3):

ClinGen Severe Combined Immunodeficiency Variant Curation Expert Panel, ClinGen
Classification: Uncertain significance for Severe combined immunodeficiency, autosomal recessive, T cell-negative, B cell-negative, NK cell-negative, due to adenosine deaminase deficiency. Last evaluated: 2024-05-01. Review status: reviewed by expert panel. Criteria: ClinGen SCID ACMG Specifications ADA V1.0.0. Collection method: curation. Allele origin: germline. Inheritance: Autosomal recessive inheritance.
Comment: NM_000022.4:c.578T>A is a missense variant predicted to cause substitution of Leucine by Histidine at amino acid 193 (p.Leu193His). The filtering allele frequency (the upper threshold of the 95% CI of 133/1179808) of the c.578T>A variant in ADA is 0.0001002 for European Non-Finnish chromosomes by gnomAD v4, which is lower than the ClinGen SCID VCEP threshold (<0.0001742) for PM2_Supporting, and therefore meets this criterion (PM2_Supporting).There are no publications for this variant in the literature. Based on insufficient evidence, this variant may be classified as Variant of uncertain significance for autosomal recessive SCID based on ACMG/AMP criteria applied, as specified by the ClinGen SCID VCEP(specification version 1.0):PM2_supporting.

Labcorp Genetics (formerly Invitae), Labcorp
Classification: Uncertain significance for Severe combined immunodeficiency, autosomal recessive, T cell-negative, B cell-negative, NK cell-negative, due to adenosine deaminase deficiency. Last evaluated: 2022-03-03. Review status: criteria provided, single submitter. Criteria: Invitae Variant Classification Sherloc (09022015). Collection method: clinical testing. Allele origin: germline. Not counted in ClinVar's aggregate classification.
Comment: This sequence change replaces leucine, which is neutral and non-polar, with histidine, which is basic and polar, at codon 193 of the ADA protein (p.Leu193His). This variant is present in population databases (rs767083081, gnomAD 0.007%). This variant has not been reported in the literature in individuals affected with ADA-related conditions. ClinVar contains an entry for this variant (Variation ID: 662119). Advanced modeling of protein sequence and biophysical properties (such as structural, functional, and spatial information, amino acid conservation, physicochemical variation, residue mobility, and thermodynamic stability) performed at Invitae indicates that this missense variant is not expected to disrupt ADA protein function. In summary, the available evidence is currently insufficient to determine the role of this variant in disease. Therefore, it has been classified as a Variant of Uncertain Significance.

Natera, Inc.
Classification: Uncertain significance for Severe combined immunodeficiency due to ADA deficiency. Last evaluated: 2020-10-05. Review status: no assertion criteria provided. Collection method: clinical testing. Allele origin: germline. Not counted in ClinVar's aggregate classification.

NM_000022.4(ADA):c.578T>A (p.Leu193His)

Gene: ADA (adenosine deaminase; minus strand). Cytogenetic location: 20q13.12.
Variant type: single nucleotide variant.
Coding change: c.578T>A on transcript NM_000022.4 (MANE Select); coding-DNA position 578, T replaced by A.
Protein change: p.Leu193His; replaces leucine 193 with histidine.
Molecular consequence: missense variant. On other transcripts: non-coding transcript variant (1).
Genome position (GRCh38, 1-based): chr20:44,624,230, A>T on the plus strand (T>A on the coding strand, the complement: ADA is on the minus strand). VCF-style: chr20-44624230-A-T. GRCh37 (hg19) VCF-style: chr20-43252871-A-T.
Other names: NM_000022.4(ADA):c.578T>A; p.Leu193His; c.173T>A, p.Leu58His (NM_001322050.2); c.578T>A, p.Leu193His (NM_001322051.2); short protein forms L58H, L193H.
Identifiers: ClinVar variation 662119 (VCV000662119.6), dbSNP rs767083081, ClinGen allele CA9871625.